The following is an entry in ClinVar:

NM_021008.4(DEAF1):c.1535T>C (p.Met512Thr)

Gene: DEAF1 (DEAF1 transcription factor; minus strand). Cytogenetic location: 11p15.5.
Variant type: single nucleotide variant.
Coding change: c.1535T>C on transcript NM_021008.4 (MANE Select); coding-DNA position 1535, T replaced by C.
Protein change: p.Met512Thr; replaces methionine 512 with threonine.
Molecular consequence: missense variant.
Genome position (GRCh38, 1-based): chr11:654,020, A>G on the plus strand (T>C on the coding strand, the complement: DEAF1 is on the minus strand). VCF-style: chr11-654020-A-G. GRCh37 (hg19) VCF-style: chr11-654020-A-G.
Other names: c.1310T>C, p.Met437Thr (NM_001293634.2); c.809T>C, p.Met270Thr (NM_001367390.1); short protein forms M512T, M437T, M270T.
Identifiers: ClinVar variation 3650049 (VCV003650049.2).
Genomic context (GRCh38, chr11:654,020, plus strand): 5'-ACCTTGCGTTGGCAGAAGGTGGAGCAGTAGTTGACCTTGTGGCAGCCGGTGCACTCGCTC[A>G]TAGCCTCCCGGCCGCAGTTAACGCAGGACTGCTGCAAGAAGGACACAACAGGCCAGTCAG-3'
Protein context (NP_066288.2, residues 502-522): QSCVNCGREA[Met512Thr]SECTGCHKVN

ClinVar aggregate classification (germline): Uncertain significance (1 of 4 stars; one submission).

Submission:

Labcorp Genetics (formerly Invitae), Labcorp
Classification: Uncertain significance. Last evaluated: 2024-02-14. Review status: criteria provided, single submitter. Criteria: Invitae Variant Classification Sherloc (09022015). Collection method: clinical testing. Allele origin: germline.
Comment: This sequence change replaces methionine, which is neutral and non-polar, with threonine, which is neutral and polar, at codon 512 of the DEAF1 protein (p.Met512Thr). This variant is present in population databases (rs774219797, gnomAD 0.003%). This variant has not been reported in the literature in individuals affected with DEAF1-related conditions. Advanced modeling of protein sequence and biophysical properties (such as structural, functional, and spatial information, amino acid conservation, physicochemical variation, residue mobility, and thermodynamic stability) has been performed at Invitae for this missense variant, however the output from this modeling did not meet the statistical confidence thresholds required to predict the impact of this variant on DEAF1 protein function. In summary, the available evidence is currently insufficient to determine the role of this variant in disease. Therefore, it has been classified as a Variant of Uncertain Significance.